The following is an entry in ClinVar:

ClinVar aggregate classification (germline): Conflicting classifications of pathogenicity. Review status: criteria provided, conflicting classifications (1 of 4 stars). 6 submissions from 6 submitters: Likely pathogenic (2); Uncertain significance (3). 1 of the submissions does not count toward it. Last evaluated 2026-09-24.

Conditions:
BAG3-related disorder. Also called: BAG3-related condition.
Cardiovascular phenotype. Identifiers: MedGen CN230736.
Dilated cardiomyopathy 1HH (CMD1HH). Identifiers: Orphanet 154, MedGen C3151293, MONDO:0013479, OMIM 613881.
Myofibrillar myopathy 6. Identifiers: Orphanet 199340, MedGen C2751831, MONDO:0013061, OMIM 612954.

Allele frequency attached by ClinVar (database versions not stated): gnomAD exomes below 0.00001.
gnomAD v4.1: 2 of 1,614,196 alleles (0.00012%); highest among the groups gnomAD compares: Non-Finnish European, 0.00017%; no homozygotes.

Submissions (6):

PreventionGenetics, part of Exact Sciences
Classification: Uncertain significance for BAG3-related condition. Last evaluated: 2026-09-24. Review status: criteria provided, single submitter. Criteria: ACMG Guidelines, 2015. Collection method: clinical testing. Allele origin: germline.
Comment: The BAG3 c.1430G>A variant is predicted to result in the amino acid substitution p.Arg477His. This variant has been reported to segregate in a family with dilated cardiomyopathy (Norton et al. 2011. PubMed ID: 21353195). This variant has also been reported in a cohort of individuals with a personal and/or family history of cardiomyopathies, although detailed clinical information was not available (Table S10, Stava et al. 2022. PubMed ID: 35653365). Functional studies showed that this variant results in impaired protein-protein interaction and myofibrillar disarray (McDermott-Roe et al. 2019. PubMed ID: 31723063). This variant has not been reported in a large population database (gnomAD), indicating this variant is rare. Although we suspect that this variant may be pathogenic, at this time, the clinical significance of this variant is uncertain due to the absence of conclusive functional and genetic evidence.

Labcorp Genetics (formerly Invitae), Labcorp
Classification: Uncertain significance for Dilated cardiomyopathy 1HH; Myofibrillar myopathy 6. Last evaluated: 2025-12-20. Review status: criteria provided, single submitter. Criteria: Invitae Variant Classification Sherloc (09022015). Collection method: clinical testing. Allele origin: germline.
Comment: This sequence change replaces arginine, which is basic and polar, with histidine, which is basic and polar, at codon 477 of the BAG3 protein (p.Arg477His). This variant is not present in population databases (gnomAD no frequency). This missense change has been observed in individual(s) with dilated cardiomyopathy (PMID: 21353195). It has also been observed to segregate with disease in related individuals. ClinVar contains an entry for this variant (Variation ID: 30399). Invitae Evidence Modeling of protein sequence and biophysical properties (such as structural, functional, and spatial information, amino acid conservation, physicochemical variation, residue mobility, and thermodynamic stability) indicates that this missense variant is expected to disrupt BAG3 protein function with a positive predictive value of 80%. Experimental studies have shown that this missense change affects BAG3 function (PMID: 31723063). In summary, the available evidence is currently insufficient to determine the role of this variant in disease. Therefore, it has been classified as a Variant of Uncertain Significance.

Mayo Clinic Laboratories, Mayo Clinic
Classification: Likely pathogenic. Last evaluated: 2025-12-11. Review status: criteria provided, single submitter. Criteria: ACMG Guidelines, 2015. Collection method: clinical testing. Allele origin: germline. Observed: 1 variant allele.
Comment: PP3_moderate, PM2_supporting, PS3_supporting, PS4_moderate

Ambry Genetics
Classification: Uncertain significance for Cardiovascular phenotype. Last evaluated: 2025-06-18. Review status: criteria provided, single submitter. Criteria: Ambry Variant Classification Scheme 2023. Collection method: clinical testing. Allele origin: germline.
Comment: The p.R477H variant (also known as c.1430G>A), located in coding exon 4 of the BAG3 gene, results from a G to A substitution at nucleotide position 1430. The arginine at codon 477 is replaced by histidine, an amino acid with highly similar properties. This variant was identified in one or more individuals with features consistent with dilated cardiomyopathy and segregated with disease in at least one family (Norton N et al. Am J Hum Genet. 2011 Mar;88(3):273-82; Ambry internal data). Functional studies suggest this variant may impact protein function (McDermott-Roe C et al. JCI Insight. 2019 Nov;4(22). This amino acid position is highly conserved in available vertebrate species. In addition, this alteration is predicted to be deleterious by in silico analysis. Based on the available evidence, the clinical significance of this variant remains unclear.

GeneDx
Classification: Likely pathogenic. Last evaluated: 2024-11-24. Review status: criteria provided, single submitter. Criteria: GeneDx Variant Classification Process June 2021. Collection method: clinical testing. Allele origin: germline. Affected: yes.
Comment: Not observed at significant frequency in large population cohorts (gnomAD); Published functional studies suggest a damaging effect through reduced fiber length and alignment and reduced binding to HSC70 than BAG3-WT in coimmunoprecipitation assays (PMID: 31723063); In silico analysis supports that this missense variant has a deleterious effect on protein structure/function; This variant is associated with the following publications: (PMID: 35653365, 20001957, 39259489, 21353195, 38359791, 31723063)

OMIM
Classification: Pathogenic for CARDIOMYOPATHY, DILATED, 1HH. Last evaluated: 2011-03-11. Review status: no assertion criteria provided. Collection method: literature only. Allele origin: germline. Not counted in ClinVar's aggregate classification.

Literature cited by the submitters: PubMed 21353195 (cited by 4 submitters); PubMed 31723063 (cited by 3 submitters); PubMed 20001957 (cited by Mayo Clinic Laboratories, Mayo Clinic); PubMed 33987872 (cited by Mayo Clinic Laboratories, Mayo Clinic); PubMed 35653365 (cited by Mayo Clinic Laboratories, Mayo Clinic); PubMed 38359791 (cited by Mayo Clinic Laboratories, Mayo Clinic); PubMed 39259489 (cited by Mayo Clinic Laboratories, Mayo Clinic).

NM_004281.4(BAG3):c.1430G>A (p.Arg477His)

Gene: BAG3 (BAG cochaperone 3; plus strand). Cytogenetic location: 10q26.11.
Variant type: single nucleotide variant.
Coding change: c.1430G>A on transcript NM_004281.4 (MANE Select); coding-DNA position 1430, G replaced by A.
Protein change: p.Arg477His; replaces arginine 477 with histidine.
Molecular consequence: missense variant.
Genome position (GRCh38, 1-based): chr10:119,676,984, G>A. VCF-style: chr10-119676984-G-A. GRCh37 (hg19) VCF-style: chr10-121436496-G-A.
Other names: short protein forms R477H.
Identifiers: ClinVar variation 30399 (VCV000030399.16), dbSNP rs387906876, ClinGen allele CA259793.
Genomic context (GRCh38, chr10:119,676,984, plus strand): 5'-ATTTGACCAAAGAGCTGCTGGCCCTGGATTCAGTGGACCCCGAGGGACGAGCCGATGTGC[G>A]TCAGGCCAGGAGAGACGGTGTCAGGAAGGTTCAGACCATCTTGGAAAAACTTGAACAGAA-3'
Protein context (NP_004272.2, residues 467-487): SVDPEGRADV[Arg477His]QARRDGVRKV